The following is an entry in ClinVar:

ClinVar aggregate classification (germline): Uncertain significance (1 of 4 stars; one submission).

Conditions:
Ehlers-Danlos syndrome, classic type, 1 (EDSCL1). Also called: EHLERS-DANLOS SYNDROME, GRAVIS TYPE; EHLERS-DANLOS SYNDROME, SEVERE CLASSIC TYPE; Ehlers-Danlos syndrome, type 1; Ehlers-Danlos Syndrome, Classic Type, COL5A1-Related; EDS I. Identifiers: MedGen C0268335, MONDO:0019567, OMIM 130000.

Allele frequency attached by ClinVar (database versions not stated): gnomAD exomes below 0.00001.
gnomAD v4.1: 4 of 1,614,100 alleles (0.00025%); highest among the groups gnomAD compares: Non-Finnish European, 0.00034%; no homozygotes.

Submission:

Labcorp Genetics (formerly Invitae), Labcorp
Classification: Uncertain significance for Ehlers-Danlos syndrome, classic type, 1. Last evaluated: 2024-12-11. Review status: criteria provided, single submitter. Criteria: Invitae Variant Classification Sherloc (09022015). Collection method: clinical testing. Allele origin: germline.
Comment: This sequence change replaces alanine, which is neutral and non-polar, with valine, which is neutral and non-polar, at codon 881 of the COL5A2 protein (p.Ala881Val). This variant is not present in population databases (gnomAD no frequency). This missense change has been observed in individual(s) with clinical features of Ehlers-Danlos syndrome (internal data). ClinVar contains an entry for this variant (Variation ID: 1430638). Invitae Evidence Modeling of protein sequence and biophysical properties (such as structural, functional, and spatial information, amino acid conservation, physicochemical variation, residue mobility, and thermodynamic stability) indicates that this missense variant is not expected to disrupt COL5A2 protein function with a negative predictive value of 80%. In summary, the available evidence is currently insufficient to determine the role of this variant in disease. Therefore, it has been classified as a Variant of Uncertain Significance.

NM_000393.5(COL5A2):c.2642C>T (p.Ala881Val)

Gene: COL5A2 (collagen type V alpha 2 chain; minus strand). Cytogenetic location: 2q32.2.
Variant type: single nucleotide variant.
Coding change: c.2642C>T on transcript NM_000393.5 (MANE Select); coding-DNA position 2642, C replaced by T.
Protein change: p.Ala881Val; replaces alanine 881 with valine.
Molecular consequence: missense variant.
Genome position (GRCh38, 1-based): chr2:189,052,930, G>A on the plus strand (C>T on the coding strand, the complement: COL5A2 is on the minus strand). VCF-style: chr2-189052930-G-A. GRCh37 (hg19) VCF-style: chr2-189917656-G-A.
Other names: short protein forms A881V.
Identifiers: ClinVar variation 1430638 (VCV001430638.7), dbSNP rs1685821871, ClinGen allele CA349870963.